The following is an entry in ClinVar:

NM_032242.4(PLXNA1):c.4687A>G (p.Met1563Val)

Gene: PLXNA1 (plexin A1; plus strand). Cytogenetic location: 3q21.3.
Variant type: single nucleotide variant.
Coding change: c.4687A>G on transcript NM_032242.4 (MANE Select); coding-DNA position 4687, A replaced by G.
Protein change: p.Met1563Val; replaces methionine 1563 with valine.
Molecular consequence: missense variant.
Genome position (GRCh38, 1-based): chr3:127,029,010, A>G. VCF-style: chr3-127029010-A-G. GRCh37 (hg19) VCF-style: chr3-126747853-A-G.
Other names: short protein forms M1563V.
Identifiers: ClinVar variation 2266981 (VCV002266981.3), dbSNP rs1358214402, ClinGen allele CA354400069.

ClinVar aggregate classification (germline): Uncertain significance. Review status: criteria provided, multiple submitters, no conflicts (2 of 4 stars). 2 submissions from 2 submitters: Uncertain significance (2). Last evaluated 2025-08-07.

Allele frequency attached by ClinVar (database versions not stated): gnomAD exomes below 0.00001; gnomAD 0.00001; TOPMed 0.00001.

Submissions (2):

Labcorp Genetics (formerly Invitae), Labcorp
Classification: Uncertain significance. Last evaluated: 2025-08-07. Review status: criteria provided, single submitter. Criteria: Invitae Variant Classification Sherloc (09022015). Collection method: clinical testing. Allele origin: germline.
Comment: This sequence change replaces methionine, which is neutral and non-polar, with valine, which is neutral and non-polar, at codon 1563 of the PLXNA1 protein (p.Met1563Val). This variant is present in population databases (no rsID available, gnomAD 0.02%). This variant has not been reported in the literature in individuals affected with PLXNA1-related conditions. ClinVar contains an entry for this variant (Variation ID: 2266981). Invitae Evidence Modeling of protein sequence and biophysical properties (such as structural, functional, and spatial information, amino acid conservation, physicochemical variation, residue mobility, and thermodynamic stability) indicates that this missense variant is not expected to disrupt PLXNA1 protein function with a negative predictive value of 80%. In summary, the available evidence is currently insufficient to determine the role of this variant in disease. Therefore, it has been classified as a Variant of Uncertain Significance.

Ambry Genetics
Classification: Uncertain significance. Last evaluated: 2021-12-14. Review status: criteria provided, single submitter. Criteria: Ambry Variant Classification Scheme 2023. Collection method: clinical testing. Allele origin: germline.